The following is an entry in ClinVar:

NM_003801.4(GPAA1):c.1249C>T (p.Pro417Ser)

Gene: GPAA1 (glycosylphosphatidylinositol anchor attachment 1; plus strand). Cytogenetic location: 8q24.3.
Variant type: single nucleotide variant.
Coding change: c.1249C>T on transcript NM_003801.4 (MANE Select); coding-DNA position 1249, C replaced by T.
Protein change: p.Pro417Ser; replaces proline 417 with serine.
Molecular consequence: missense variant.
Genome position (GRCh38, 1-based): chr8:144,085,127, C>T. VCF-style: chr8-144085127-C-T. GRCh37 (hg19) VCF-style: chr8-145140030-C-T.
Other names: c.1249C>T (NM_003801.3); short protein forms P417S.
Identifiers: ClinVar variation 1511426 (VCV001511426.6), dbSNP rs782362391, ClinGen allele CA4933107.

ClinVar aggregate classification (germline): Uncertain significance. Review status: criteria provided, multiple submitters, no conflicts (2 of 4 stars). 2 submissions from 2 submitters: Uncertain significance (2). Last evaluated 2024-07-27.

Conditions:
Inborn genetic diseases. Identifiers: MedGen C0950123, MeSH D030342.

Allele frequency attached by ClinVar (database versions not stated): TOPMed 0.00003; gnomAD 0.00004; gnomAD exomes 0.00005 and 0.00008; ExAC 0.00013.

Submissions (2):

Ambry Genetics
Classification: Uncertain significance for Inborn genetic diseases. Last evaluated: 2024-07-27. Review status: criteria provided, single submitter. Criteria: Ambry Variant Classification Scheme 2023. Collection method: clinical testing. Allele origin: germline.

Labcorp Genetics (formerly Invitae), Labcorp
Classification: Uncertain significance. Last evaluated: 2022-07-19. Review status: criteria provided, single submitter. Criteria: Invitae Variant Classification Sherloc (09022015). Collection method: clinical testing. Allele origin: germline.
Comment: This sequence change replaces proline, which is neutral and non-polar, with serine, which is neutral and polar, at codon 417 of the GPAA1 protein (p.Pro417Ser). This variant is present in population databases (rs782362391, gnomAD 0.02%). This variant has not been reported in the literature in individuals affected with GPAA1-related conditions. ClinVar contains an entry for this variant (Variation ID: 1511426). Algorithms developed to predict the effect of missense changes on protein structure and function (SIFT, PolyPhen-2, Align-GVGD) all suggest that this variant is likely to be tolerated. In summary, the available evidence is currently insufficient to determine the role of this variant in disease. Therefore, it has been classified as a Variant of Uncertain Significance.